The following is an entry in ClinVar:

NM_000528.4(MAN2B1):c.103_106del (p.Leu35fs)

Gene: MAN2B1 (mannosidase alpha class 2B member 1; minus strand). Cytogenetic location: 19p13.13.
Variant type: Microsatellite.
Coding change: c.103_106del on transcript NM_000528.4 (MANE Select); coding-DNA positions 103 to 106, 4 bases deleted (CTCT; older notation c.103_106delCTCT).
Protein change: p.Leu35fs; shifts the reading frame from leucine 35.
Molecular consequence: frameshift variant.
Genome position (GRCh38, 1-based): chr19:12,666,596-12,666,599, AGAG deleted on the plus strand (CTCT on the coding strand, the reverse complement: MAN2B1 is on the minus strand); deleting any 4 consecutive bases within chr19:12,666,596-12,666,601 gives the same sequence; the c. name uses the placement nearest the transcript's 3' end. VCF-style (leftmost placement, unchanged base first): chr19-12666595-CAGAG-C. GRCh37 (hg19) VCF-style: chr19-12777409-CAGAG-C.
Other names: c.103_106del, p.Leu35fs (NM_001173498.2); short protein forms L35fs.
Identifiers: ClinVar variation 2061957 (VCV002061957.4), dbSNP rs2024251717, ClinGen allele CA993651646.

ClinVar aggregate classification (germline): Pathogenic (1 of 4 stars; one submission).

Conditions:
Deficiency of alpha-mannosidase (MANSA). Also called: Mannosidosis, alpha-, types I and II; LYSOSOMAL ALPHA-D-MANNOSIDASE DEFICIENCY; Alpha-Mannosidosis. Identifiers: Orphanet 61, MedGen C0024748, MONDO:0009561, OMIM 248500.

Submission:

Labcorp Genetics (formerly Invitae), Labcorp
Classification: Pathogenic for Deficiency of alpha-mannosidase. Last evaluated: 2021-12-27. Review status: criteria provided, single submitter. Criteria: Invitae Variant Classification Sherloc (09022015). Collection method: clinical testing. Allele origin: germline.
Comment: This variant is not present in population databases (gnomAD no frequency). This sequence change creates a premature translational stop signal (p.Leu35Alafs*28) in the MAN2B1 gene. It is expected to result in an absent or disrupted protein product. Loss-of-function variants in MAN2B1 are known to be pathogenic (PMID: 9915946, 22161967). This variant has not been reported in the literature in individuals affected with MAN2B1-related conditions. For these reasons, this variant has been classified as Pathogenic.

Literature cited by the submitters: PubMed 9915946; PubMed 22161967.